The following is an entry in ClinVar:

ClinVar aggregate classification (germline): Uncertain significance (1 of 4 stars; one submission).

Submission:

Ambry Genetics
Classification: Uncertain significance. Last evaluated: 2024-05-22. Review status: criteria provided, single submitter. Criteria: Ambry Variant Classification Scheme 2023. Collection method: clinical testing. Allele origin: germline.
Comment: The p.Q1354R variant (also known as c.4061A>G), located in coding exon 10 of the MLH3 gene, results from an A to G substitution at nucleotide position 4061. The glutamine at codon 1354 is replaced by arginine, an amino acid with highly similar properties. This amino acid position is conserved. In addition, this alteration is predicted to be tolerated by in silico analysis. Since supporting evidence is limited at this time, the clinical significance of this alteration remains unclear.

NM_001040108.2(MLH3):c.4061A>G (p.Gln1354Arg)

Gene: MLH3 (mutL homolog 3; minus strand). Cytogenetic location: 14q24.3.
Variant type: single nucleotide variant.
Coding change: c.4061A>G on transcript NM_001040108.2 (MANE Select); coding-DNA position 4061, A replaced by G.
Protein change: p.Gln1354Arg; replaces glutamine 1354 with arginine.
Molecular consequence: missense variant.
Genome position (GRCh38, 1-based): chr14:75,022,843, T>C on the plus strand (A>G on the coding strand, the complement: MLH3 is on the minus strand). VCF-style: chr14-75022843-T-C. GRCh37 (hg19) VCF-style: chr14-75489546-T-C.
Other names: c.3989A>G, p.Gln1330Arg (NM_014381.3); short protein forms Q1354R, Q1330R.
Identifiers: ClinVar variation 1737478 (VCV001737478.3), dbSNP rs2503068705, ClinGen allele CA390420737.